The following is an entry in ClinVar:

NM_001369.3(DNAH5):c.11668G>T (p.Glu3890Ter)

Gene: DNAH5 (dynein axonemal heavy chain 5; minus strand). Cytogenetic location: 5p15.2.
Variant type: single nucleotide variant.
Coding change: c.11668G>T on transcript NM_001369.3 (MANE Select); coding-DNA position 11668, G replaced by T.
Protein change: p.Glu3890Ter; replaces glutamic acid 3890 with a stop codon.
Molecular consequence: nonsense.
Genome position (GRCh38, 1-based): chr5:13,735,224, C>A on the plus strand (G>T on the coding strand, the complement: DNAH5 is on the minus strand). VCF-style: chr5-13735224-C-A. GRCh37 (hg19) VCF-style: chr5-13735333-C-A.
Other names: short protein forms E3890*.
Identifiers: ClinVar variation 1725836 (VCV001725836.2), dbSNP rs2546561065, ClinGen allele CA359223211.

ClinVar aggregate classification (germline): Likely pathogenic (1 of 4 stars; one submission).

Conditions:
Primary ciliary dyskinesia 3. Identifiers: Orphanet 244, MedGen C1837618, MONDO:0012085, OMIM 608644.

Allele frequency attached by ClinVar (database versions not stated): gnomAD exomes below 0.00001.
gnomAD v4.1: 1 of 1,614,062 alleles (0.000062%); highest among the groups gnomAD compares: Non-Finnish European, 0.000085%; no homozygotes.

Submission:

Myriad Genetics, Inc.
Classification: Likely pathogenic for Primary ciliary dyskinesia 3. Last evaluated: 2022-04-02. Review status: criteria provided, single submitter. Criteria: Myriad Women's Health Autosomal Recessive and X-Linked Classification Criteria (2021). Collection method: clinical testing. Allele origin: unknown.
Comment: NM_001369.2(DNAH5):c.11668G>T(E3890*) is expected to be pathogenic in the context of DNAH5-related primary ciliary dyskinesia. This variant is predicted to lead to an abnormal or absent protein product due to the creation of a premature termination codon in DNAH5, a gene where loss-of-function variants are known to be pathogenic. Please note: this variant was assessed in the context of healthy population screening.